The following is an entry in ClinVar:

NM_000245.4(MET):c.2702T>A (p.Leu901Gln)

Gene: MET (MET proto-oncogene, receptor tyrosine kinase; plus strand). Cytogenetic location: 7q31.2.
Variant type: single nucleotide variant.
Coding change: c.2702T>A on transcript NM_000245.4 (MANE Select); coding-DNA position 2702, T replaced by A.
Protein change: p.Leu901Gln; replaces leucine 901 with glutamine.
Molecular consequence: missense variant.
Genome position (GRCh38, 1-based): chr7:116,769,763, T>A. VCF-style: chr7-116769763-T-A. GRCh37 (hg19) VCF-style: chr7-116409817-T-A.
Other names: c.2756T>A, p.Leu919Gln (NM_001127500.3); c.2702T>A, p.Leu901Gln (NM_001324401.3); c.1412T>A, p.Leu471Gln (NM_001324402.2); short protein forms L901Q, L919Q, L471Q.
Identifiers: ClinVar variation 5024343 (VCV005024343.1).

ClinVar aggregate classification (germline): Uncertain significance (1 of 4 stars; one submission).

Conditions:
Hereditary cancer-predisposing syndrome. Also called: Neoplastic Syndromes, Hereditary; Tumor predisposition; Hereditary neoplastic syndrome; Hereditary Cancer Syndrome. Identifiers: Orphanet 140162, MedGen C0027672, MeSH D009386, MONDO:0015356.

Submission:

Ambry Genetics
Classification: Uncertain significance for Hereditary cancer-predisposing syndrome. Last evaluated: 2026-07-12. Review status: criteria provided, single submitter. Criteria: Ambry Variant Classification Scheme 2023. Collection method: clinical testing. Allele origin: germline.
Comment: The p.L919Q variant (also known as c.2756T>A), located in coding exon 11 of the MET gene, results from a T to A substitution at nucleotide position 2756. The leucine at codon 919 is replaced by glutamine, an amino acid with dissimilar properties. This amino acid position is conserved. In addition, the in silico prediction for this alteration is inconclusive. Based on the available evidence, the clinical significance of this variant remains unclear.